The following is an entry in ClinVar:

NM_001142864.4(PIEZO1):c.5777G>A (p.Arg1926Gln)

Gene: PIEZO1 (piezo type mechanosensitive ion channel component 1 (Er blood group); minus strand). Cytogenetic location: 16q24.3.
Variant type: single nucleotide variant.
Coding change: c.5777G>A on transcript NM_001142864.4 (MANE Select); coding-DNA position 5777, G replaced by A.
Protein change: p.Arg1926Gln; replaces arginine 1926 with glutamine.
Molecular consequence: missense variant.
Genome position (GRCh38, 1-based): chr16:88,720,640, C>T on the plus strand (G>A on the coding strand, the complement: PIEZO1 is on the minus strand). VCF-style: chr16-88720640-C-T. GRCh37 (hg19) VCF-style: chr16-88787048-C-T.
Other names: short protein forms R1926Q.
Identifiers: ClinVar variation 1032665 (VCV001032665.2), dbSNP rs753296407, ClinGen allele CA8231786.

ClinVar aggregate classification (germline): Uncertain significance. Review status: criteria provided, multiple submitters, no conflicts (2 of 4 stars). 2 submissions from 2 submitters: Uncertain significance (2). Last evaluated 2024-12-03.

Conditions:
Dehydrated hereditary stomatocytosis with or without pseudohyperkalemia and/or perinatal edema (DHS1). Also called: Dehydrated hereditary stomatocytosis 1 with or without pseudohyperkalemia and/or perinatal edema; PSEUDOHYPERKALEMIA EDINBURGH; DEHYDRATED HEREDITARY STOMATOCYTOSIS AND PSEUDOHYPERKALEMIA; DEHYDRATED HEREDITARY STOMATOCYTOSIS WITH PSEUDOHYPERKALEMIA AND PERINATAL EDEMA; Pseudohyperkalemia, familial, 1, due to red cell leak. Identifiers: Orphanet 3202, MedGen C4551512, MONDO:0008689, OMIM 194380.

Allele frequency attached by ClinVar (database versions not stated): TOPMed 0.00002; ExAC 0.00006.
gnomAD v4.1: 56 of 1,546,914 alleles (0.0036%); highest among the groups gnomAD compares: South Asian, 0.0048%; no homozygotes.

Submissions (2):

ARUP Laboratories, Molecular Genetics and Genomics, ARUP Laboratories
Classification: Uncertain significance. Last evaluated: 2024-12-03. Review status: criteria provided, single submitter. Criteria: ARUP Molecular Germline Variant Investigation Process 2024. Collection method: clinical testing. Allele origin: germline.
Comment: The PIEZO1 c.5777G>A; p.Arg1926Gln variant (rs753296407), to our knowledge, is not reported in the medical literature but is reported in ClinVar (Variation ID: 1032665). This variant is only observed on four alleles in the Genome Aggregation Database (v2.1.1), indicating it is not a common polymorphism. Computational analyses predict that this variant is neutral (REVEL: 0.093). Due to limited information, the clinical significance of this variant is uncertain at this time.

Baylor Genetics
Classification: Uncertain significance for Dehydrated hereditary stomatocytosis with or without pseudohyperkalemia and/or perinatal edema. Last evaluated: 2018-06-14. Review status: criteria provided, single submitter. Criteria: ACMG Guidelines, 2015. Collection method: clinical testing. Allele origin: maternal. Affected: yes.
Comment: This variant was determined to be of uncertain significance according to ACMG Guidelines, 2015 [PMID:25741868].